The following is an entry in ClinVar:

NC_000012.12:g.121641245C>T

Gene: ORAI1 (ORAI calcium release-activated calcium modulator 1; plus strand). Cytogenetic location: 12q24.31.
Variant type: single nucleotide variant.
Genome position: GRCh38 VCF-style: chr12-121641245-C-T. GRCh37 (hg19) VCF-style: chr12-122079151-C-T.
Other names: c.508C>T, p.Arg170Cys (NM_032790.4); short protein forms R170C.
Identifiers: ClinVar variation 839088 (VCV000839088.8), dbSNP rs559396531, ClinGen allele CA6837505.

ClinVar aggregate classification (germline): Uncertain significance (1 of 4 stars; one submission).

Conditions:
Myopathy, tubular aggregate, 2 (TAM2). Identifiers: MedGen C4014557, MONDO:0014383, OMIM 615883.
Combined immunodeficiency due to ORAI1 deficiency. Also called: IMMUNODEFICIENCY 9. Identifiers: Orphanet 169090, Orphanet 317428, MedGen C2748568, MONDO:0013007, OMIM 612782.

Allele frequency attached by ClinVar (database versions not stated): ExAC 0.00001; gnomAD 0.00001 and 0.00002; gnomAD exomes 0.00001 and 0.00002; TOPMed 0.00001; 1000 Genomes Project 30x 0.00016; 1000 Genomes Project 0.00020.

Submission:

Labcorp Genetics (formerly Invitae), Labcorp
Classification: Uncertain significance for Myopathy, tubular aggregate, 2; Combined immunodeficiency due to ORAI1 deficiency. Last evaluated: 2024-07-17. Review status: criteria provided, single submitter. Criteria: Invitae Variant Classification Sherloc (09022015). Collection method: clinical testing. Allele origin: germline.
Comment: This sequence change replaces arginine, which is basic and polar, with cysteine, which is neutral and slightly polar, at codon 170 of the ORAI1 protein (p.Arg170Cys). This variant is present in population databases (rs559396531, gnomAD 0.003%). This variant has not been reported in the literature in individuals affected with ORAI1-related conditions. ClinVar contains an entry for this variant (Variation ID: 839088). Algorithms developed to predict the effect of variants on gene product structure and function are not available or were not evaluated for this variant. Experimental studies have shown that this missense change affects ORAI1 function (PMID: 30831274). In summary, the available evidence is currently insufficient to determine the role of this variant in disease. Therefore, it has been classified as a Variant of Uncertain Significance.

Literature cited by the submitters: PubMed 30831274.